The following is an entry in ClinVar:

ClinVar aggregate classification (germline): Likely pathogenic (1 of 4 stars; one submission).

Conditions:
Achondrogenesis, type IB (ACG1B). Also called: Achondrogenesis Type 1B. Identifiers: Orphanet 932, Orphanet 93298, MedGen C0265274, MONDO:0010966, OMIM 600972.

Submission:

Natera, Inc.
Classification: Likely pathogenic for Achondrogenesis type IB. Last evaluated: 2025-01-26. Review status: criteria provided, single submitter. Criteria: Natera Variant Classification Schema (03/2026). Collection method: clinical testing. Allele origin: germline.
Comment: The c.629_634delinsCTGTTGCATAGCAACA variant in SLC26A2 is a frameshift variant predicted to shift the reading frame beginning at codon 210 and leads to a stop codon 4 codons downstream. This variant is expected to result in nonsense mediated decay, truncation, or a dysfunctional protein product. This variant is rare in the general population with a frequency below the threshold expected for the associated phenotype(s). Given the available evidence, this variant is classified as Likely Pathogenic.

NM_000112.4(SLC26A2):c.629_634delinsCTGTTGCATAGCAACA (p.Arg210_Cys212delinsThrValAlaTer)

Gene: SLC26A2 (solute carrier family 26 member 2; plus strand). Cytogenetic location: 5q32.
Variant type: Indel.
Coding change: c.629_634delinsCTGTTGCATAGCAACA on transcript NM_000112.4 (MANE Select); coding-DNA positions 629 to 634, GGATAT replaced by CTGTTGCATAGCAACA.
Protein change: p.Arg210_Cys212delinsThrValAlaTer.
Molecular consequence: nonsense. On other transcripts: frameshift variant (1).
Genome position (GRCh38, 1-based): chr5:149,978,281-149,978,286, GGATAT replaced by CTGTTGCATAGCAACA. VCF-style: chr5-149978281-GGATAT-CTGTTGCATAGCAACA. GRCh37 (hg19) VCF-style: chr5-149357844-GGATAT-CTGTTGCATAGCAACA.
Other names: c.629_634delGGATATinsCTGTTGCATAGCAACA, p.Arg210Thrfs (NM_000112.3).
Identifiers: ClinVar variation 4817466 (VCV004817466.1).